The following is an entry in ClinVar:

ClinVar aggregate classification (germline): Pathogenic (1 of 4 stars; one submission).

Conditions:
Granulomatous disease, chronic, autosomal recessive, cytochrome b-positive, type 2. Also called: GRANULOMATOUS DISEASE, CHRONIC, AUTOSOMAL RECESSIVE, 2; CGD, AUTOSOMAL RECESSIVE CYTOCHROME b-POSITIVE, TYPE II; Chronic granulomatous disease due to deficiency of NCF-2; Chronic Granulomatous Disease, Autosomal Recessive, Cytochrome b-Positive, Type II; GRANULOMATOUS DISEASE, CHRONIC, DUE TO NCF2 DEFICIENCY. Identifiers: Orphanet 379, MedGen C1856245, MONDO:0009310, OMIM 233710.

Submission:

Labcorp Genetics (formerly Invitae), Labcorp
Classification: Pathogenic for Granulomatous disease, chronic, autosomal recessive, cytochrome b-positive, type 2. Last evaluated: 2023-06-03. Review status: criteria provided, single submitter. Criteria: Invitae Variant Classification Sherloc (09022015). Collection method: clinical testing. Allele origin: germline.
Comment: A similar copy number variant has been observed in individuals with chronic granulomatous disease (PMID: 19953534). It has also been observed to segregate with disease in related individuals. This variant is a gross deletion of the genomic region encompassing exon(s) 4 of the NCF2 gene. This variant would be expected to be in-frame, preserving the integrity of the reading frame. This variant is also known as a deletion of exon 5. For these reasons, this variant has been classified as Pathogenic. Studies have shown that a similar copy number variant alters NCF2 gene expression (PMID: 19953534).

Literature cited by the submitters: PubMed 19953534.

NC_000001.10:g.(?_183543602)_(183543776_?)del

Gene: NCF2 (neutrophil cytosolic factor 2; minus strand). Cytogenetic location: 1q25.3.
Variant type: Deletion.
Identifiers: ClinVar variation 1458778 (VCV001458778.8).